The following is an entry in ClinVar:

ClinVar aggregate classification (germline): Uncertain significance (1 of 4 stars; one submission).

Submission:

GeneDx
Classification: Uncertain significance. Last evaluated: 2022-01-31. Review status: criteria provided, single submitter. Criteria: GeneDx Variant Classification Process June 2021. Collection method: clinical testing. Allele origin: germline. Affected: yes.
Comment: Not observed at significant frequency in large population cohorts (gnomAD); Missense variant in a gene in which most reported pathogenic variants are truncating/loss-of-function; Has not been previously published as pathogenic or benign to our knowledge

NM_001267550.2(TTN):c.27728C>T (p.Thr9243Ile)

Gene: TTN (titin; minus strand). Cytogenetic location: 2q31.2.
Variant type: single nucleotide variant.
Coding change: c.27728C>T on transcript NM_001267550.2 (MANE Select); coding-DNA position 27728, C replaced by T.
Protein change: p.Thr9243Ile; replaces threonine 9243 with isoleucine.
Molecular consequence: missense variant. On other transcripts: intron variant (3).
Genome position (GRCh38, 1-based): chr2:178,712,102, G>A on the plus strand (C>T on the coding strand, the complement: TTN is on the minus strand). VCF-style: chr2-178712102-G-A. GRCh37 (hg19) VCF-style: chr2-179576829-G-A.
Other names: c.26777C>T, p.Thr8926Ile (NM_001256850.1); c.23996C>T, p.Thr7999Ile (NM_133378.4); c.13282+25980C>T (NM_003319.4); c.13858+25980C>T (NM_133437.4); c.13657+25980C>T (NM_133432.3); short protein forms T7999I, T8926I, T9243I.
Identifiers: ClinVar variation 1699778 (VCV001699778.2), dbSNP rs2076741750, ClinGen allele CA349448592.
Genomic context (GRCh38, chr2:178,712,102, plus strand): 5'-ACCAGTGTAGCAACATTATTCCTAAAATGCATTTTGTAAGTCGTAGTGGGTCTCAATTTT[G>A]TATCTCCTTTATACCAGGATACCCCAATTTCAGGGGTTCCAGCAAGCTGGCATTGTAGAG-3'
Protein context (NP_001254479.2, residues 9233-9253): EIGVSWYKGD[Thr9243Ile]KLRPTTTYKM